The following is an entry in ClinVar:

ClinVar aggregate classification (germline): Conflicting classifications of pathogenicity. Review status: criteria provided, conflicting classifications (1 of 4 stars). 4 submissions from 4 submitters: Uncertain significance (3); Benign (1). Last evaluated 2026-01-07.

Conditions:
Cardiovascular phenotype. Identifiers: MedGen CN230736.
Hypercholesterolemia, autosomal dominant, type B (FHCL2). Also called: Familial hypercholesterolemia 2; APOB-Related Familial Hypercholesterolemia, Autosomal Dominant; APOLIPOPROTEIN B-100, FAMILIAL DEFECTIVE; APOLIPOPROTEIN B-100, FAMILIAL LIGAND-DEFECTIVE; Familial Hypercholesterolemia Type B; HYPERCHOLESTEROLEMIA, FAMILIAL, DUE TO LIGAND-DEFECTIVE APOLIPOPROTEIN B. Identifiers: MedGen C1704417, MONDO:0007751, OMIM 144010.
Familial hypobetalipoproteinemia 1. Also called: APOB-Related Familial Hypobetalipoproteinemia; Hypobetalipoproteinemia, normotriglyceridemic; Acanthocytosis with hypobetalipoproteinemia. Identifiers: MedGen C4551990, MONDO:0014252, OMIM 615558.

Allele frequency attached by ClinVar (database versions not stated): gnomAD 0.00003; TOPMed 0.00003.
gnomAD v4.1: 42 of 1,614,010 alleles (0.0026%); highest among the groups gnomAD compares: Admixed American, 0.005%; no homozygotes.

Submissions (4):

Labcorp Genetics (formerly Invitae), Labcorp
Classification: Benign for Familial hypobetalipoproteinemia 1; Hypercholesterolemia, autosomal dominant, type B. Last evaluated: 2026-01-07. Review status: criteria provided, single submitter. Criteria: Invitae Variant Classification Sherloc (09022015). Collection method: clinical testing. Allele origin: germline.

Ambry Genetics
Classification: Uncertain significance for Cardiovascular phenotype. Last evaluated: 2025-11-04. Review status: criteria provided, single submitter. Criteria: Ambry Variant Classification Scheme 2023. Collection method: clinical testing. Allele origin: germline.
Comment: The p.G910C variant (also known as c.2728G>T), located in coding exon 18 of the APOB gene, results from a G to T substitution at nucleotide position 2728. The glycine at codon 910 is replaced by cysteine, an amino acid with highly dissimilar properties. This amino acid position is well conserved in available vertebrate species. In addition, the in silico prediction for this alteration is inconclusive. Based on the available evidence, the clinical significance of this variant remains unclear.

CeGaT Center for Human Genetics Tuebingen
Classification: Uncertain significance. Last evaluated: 2025-03-01. Review status: criteria provided, single submitter. Criteria: CeGaT Center For Human Genetics Tuebingen Variant Classification Criteria Version 2. Collection method: clinical testing. Allele origin: germline. Affected: yes. Observed: 1 variant allele.
Comment: APOB: PM2, BP4

Quest Diagnostics Nichols Institute San Juan Capistrano
Classification: Uncertain significance. Last evaluated: 2022-12-22. Review status: criteria provided, single submitter. Criteria: Quest Diagnostics criteria. Collection method: clinical testing. Allele origin: unknown.
Comment: To the best of our knowledge, the variant has not been reported in the published literature. The frequency of this variant in the general population, 0.0004 (4/10078 chromosomes), is uninformative in assessment of its pathogenicity. Analysis of this variant using bioinformatics tools for the prediction of the effect of amino acid changes on protein structure and function yielded conflicting predictions that this variant is benign or damaging. Based on the available information, we are unable to determine the clinical significance of this variant.

NM_000384.3(APOB):c.2728G>T (p.Gly910Cys)

Gene: APOB (apolipoprotein B; minus strand). Cytogenetic location: 2p24.1.
Variant type: single nucleotide variant.
Coding change: c.2728G>T on transcript NM_000384.3 (MANE Select); coding-DNA position 2728, G replaced by T.
Protein change: p.Gly910Cys; replaces glycine 910 with cysteine.
Molecular consequence: missense variant.
Genome position (GRCh38, 1-based): chr2:21,022,919, C>A on the plus strand (G>T on the coding strand, the complement: APOB is on the minus strand). VCF-style: chr2-21022919-C-A. GRCh37 (hg19) VCF-style: chr2-21245791-C-A.
Other names: short protein forms G910C.
Identifiers: ClinVar variation 334166 (VCV000334166.23), dbSNP rs747610107, ClinGen allele CA057108.